The following is an entry in ClinVar:

NM_001145252.3(CFP):c.680C>T (p.Pro227Leu)

Gene: CFP (complement factor properdin; minus strand). Cytogenetic location: Xp11.23.
Variant type: single nucleotide variant.
Coding change: c.680C>T on transcript NM_001145252.3 (MANE Select); coding-DNA position 680, C replaced by T.
Protein change: p.Pro227Leu; replaces proline 227 with leucine.
Molecular consequence: missense variant.
Genome position (GRCh38, 1-based): chrX:47,627,227, G>A on the plus strand (C>T on the coding strand, the complement: CFP is on the minus strand). VCF-style: chrX-47627227-G-A. GRCh37 (hg19) VCF-style: chrX-47486626-G-A.
Other names: c.680C>T, p.Pro227Leu (NM_002621.2); short protein forms P227L.
Identifiers: ClinVar variation 1381539 (VCV001381539.8), dbSNP rs770396604, ClinGen allele CA10398918.
Genomic context (GRCh38, chrX:47,627,227, plus strand): 5'-CTCCGCTGCTCGTAGGCTAGCCCCGGGCAGGGCTTCCCAGGAGGTTTCTGGGAGGGCTCA[G>A]GTGCAGAACACTTGCGGCTTCGTGTCTCCTTAGGTTCGTGGGGTCCACCGTGGCAGGAGG-3'
Protein context (NP_001138724.1, residues 217-237): KETRSRKCSA[Pro227Leu]EPSQKPPGKP

ClinVar aggregate classification (germline): Uncertain significance (1 of 4 stars; one submission).

Allele frequency attached by ClinVar (database versions not stated): gnomAD 0.00001; gnomAD exomes 0.00001 and 0.00002; TOPMed 0.00002.
gnomAD v4.1: 20 of 1,210,579 alleles (0.0017%); highest among the groups gnomAD compares: Admixed American, 0.0087%; no homozygotes.

Submission:

Labcorp Genetics (formerly Invitae), Labcorp
Classification: Uncertain significance. Last evaluated: 2024-11-11. Review status: criteria provided, single submitter. Criteria: Invitae Variant Classification Sherloc (09022015). Collection method: clinical testing. Allele origin: germline.
Comment: This sequence change replaces proline, which is neutral and non-polar, with leucine, which is neutral and non-polar, at codon 227 of the CFP protein (p.Pro227Leu). The frequency data for this variant in the population databases is considered unreliable, as metrics indicate poor data quality at this position in the gnomAD database. This variant has not been reported in the literature in individuals affected with CFP-related conditions. ClinVar contains an entry for this variant (Variation ID: 1381539). Invitae Evidence Modeling of protein sequence and biophysical properties (such as structural, functional, and spatial information, amino acid conservation, physicochemical variation, residue mobility, and thermodynamic stability) indicates that this missense variant is expected to disrupt CFP protein function with a positive predictive value of 80%. In summary, the available evidence is currently insufficient to determine the role of this variant in disease. Therefore, it has been classified as a Variant of Uncertain Significance.